The following is an entry in ClinVar:

NM_032444.4(SLX4):c.3952C>T (p.Pro1318Ser)

Gene: SLX4 (SLX4 structure-specific endonuclease subunit; minus strand). Cytogenetic location: 16p13.3.
Variant type: single nucleotide variant.
Coding change: c.3952C>T on transcript NM_032444.4 (MANE Select); coding-DNA position 3952, C replaced by T.
Protein change: p.Pro1318Ser; replaces proline 1318 with serine.
Molecular consequence: missense variant.
Genome position (GRCh38, 1-based): chr16:3,589,686, G>A on the plus strand (C>T on the coding strand, the complement: SLX4 is on the minus strand). VCF-style: chr16-3589686-G-A. GRCh37 (hg19) VCF-style: chr16-3639687-G-A.
Other names: short protein forms P1318S.
Identifiers: ClinVar variation 2187564 (VCV002187564.5), dbSNP rs2548211846, ClinGen allele CA394518713.

ClinVar aggregate classification (germline): Uncertain significance. Review status: criteria provided, multiple submitters, no conflicts (2 of 4 stars). 2 submissions from 2 submitters: Uncertain significance (2). Last evaluated 2023-12-27.

Conditions:
Fanconi anemia (FA). Also called: Fanconi's anemia. Identifiers: Orphanet 84, MedGen C0015625, MeSH D005199, MONDO:0019391.
Fanconi anemia complementation group P. Also called: SLX4-Related Fanconi Anemia. Identifiers: Orphanet 84, MedGen C3469542, MONDO:0013499, OMIM 613951.

Allele frequency attached by ClinVar (database versions not stated): gnomAD exomes below 0.00001.
gnomAD v4.1: 2 of 1,613,922 alleles (0.00012%); highest among the groups gnomAD compares: Non-Finnish European, 0.00017%; no homozygotes.

Submissions (2):

Fulgent Genetics
Classification: Uncertain significance for Fanconi anemia complementation group P. Last evaluated: 2023-12-27. Review status: criteria provided, single submitter. Criteria: ACMG Guidelines, 2015. Collection method: clinical testing. Allele origin: germline.

Labcorp Genetics (formerly Invitae), Labcorp
Classification: Uncertain significance for Fanconi anemia. Last evaluated: 2022-06-16. Review status: criteria provided, single submitter. Criteria: Invitae Variant Classification Sherloc (09022015). Collection method: clinical testing. Allele origin: germline.
Comment: This variant has not been reported in the literature in individuals affected with SLX4-related conditions. This sequence change replaces proline, which is neutral and non-polar, with serine, which is neutral and polar, at codon 1318 of the SLX4 protein (p.Pro1318Ser). This variant is not present in population databases (gnomAD no frequency). Algorithms developed to predict the effect of missense changes on protein structure and function (SIFT, PolyPhen-2, Align-GVGD) all suggest that this variant is likely to be tolerated. In summary, the available evidence is currently insufficient to determine the role of this variant in disease. Therefore, it has been classified as a Variant of Uncertain Significance.